The following is an entry in ClinVar:

ClinVar aggregate classification (germline): Likely pathogenic (1 of 4 stars; one submission).

Conditions:
Hereditary cancer-predisposing syndrome. Also called: Hereditary Cancer Syndrome; Tumor predisposition; Hereditary neoplastic syndrome; Neoplastic Syndromes, Hereditary. Identifiers: Orphanet 140162, MedGen C0027672, MeSH D009386, MONDO:0015356.

Submission:

Ambry Genetics
Classification: Likely pathogenic for Hereditary cancer-predisposing syndrome. Last evaluated: 2024-05-20. Review status: criteria provided, single submitter. Criteria: Ambry Variant Classification Scheme 2023. Collection method: clinical testing. Allele origin: germline.
Comment: The p.K498* variant (also known as c.1492A>T), located in coding exon 11 of the BMPR1A gene, results from an A to T substitution at nucleotide position 1492. This changes the amino acid from a lysine to a stop codon within coding exon 11. This alteration occurs at the 3' terminus of the BMPR1A gene, is not expected to trigger nonsense-mediated mRNA decay, and only impacts the last 6.6%/ 35 amino acids of the protein. However, premature stop codons are typically deleterious in nature and the impacted region is critical for protein function (Ambry internal data). This variant is considered to be rare based on population cohorts in the Genome Aggregation Database (gnomAD). Based on the majority of available evidence to date, this variant is likely to be pathogenic.

NM_004329.3(BMPR1A):c.1492A>T (p.Lys498Ter)

Gene: BMPR1A (bone morphogenetic protein receptor type 1A; plus strand). Cytogenetic location: 10q23.2.
Variant type: single nucleotide variant.
Coding change: c.1492A>T on transcript NM_004329.3 (MANE Select); coding-DNA position 1492, A replaced by T.
Protein change: p.Lys498Ter; replaces lysine 498 with a stop codon.
Molecular consequence: nonsense. On other transcripts: non-coding transcript variant (3).
Genome position (GRCh38, 1-based): chr10:86,923,612, A>T. VCF-style: chr10-86923612-A-T. GRCh37 (hg19) VCF-style: chr10-88683369-A-T.
Other names: c.1567A>T, p.Lys523Ter (NM_001406559.1); c.1540A>T, p.Lys514Ter (NM_001406560.1); c.1492A>T, p.Lys498Ter (NM_001406561.1, NM_001406562.1, NM_001406563.1 and 19 more transcripts); c.1486A>T, p.Lys496Ter (NM_001406583.1); c.1408A>T, p.Lys470Ter (NM_001406584.1, NM_001406585.1, NM_001406586.1 and 2 more transcripts); c.1150A>T, p.Lys384Ter (NM_001406589.1); short protein forms K470*, K496*, K498*, K523*, K514*, K384*.
Identifiers: ClinVar variation 3261218 (VCV003261218.1).